The following is an entry in ClinVar:

NM_012310.5(KIF4A):c.2976+2T>G

Gene: KIF4A (kinesin family member 4A; plus strand). Cytogenetic location: Xq13.1.
Variant type: single nucleotide variant.
Coding change: c.2976+2T>G on transcript NM_012310.5 (MANE Select); the canonical splice donor site of the intron after coding-DNA position 2976, T replaced by G.
Molecular consequence: splice donor variant.
Genome position (GRCh38, 1-based): chrX:70,405,907, T>G. VCF-style: chrX-70405907-T-G. GRCh37 (hg19) VCF-style: chrX-69625757-T-G.
Identifiers: ClinVar variation 2577627 (VCV002577627.1), dbSNP rs2086298213, ClinGen allele CA413475528.

ClinVar aggregate classification (germline): Uncertain significance (1 of 4 stars; one submission).

Allele frequency attached by ClinVar (database versions not stated): TOPMed below 0.00001.

Submission:

GeneDx
Classification: Uncertain significance. Last evaluated: 2023-02-23. Review status: criteria provided, single submitter. Criteria: GeneDx Variant Classification Process June 2021. Collection method: clinical testing. Allele origin: germline. Affected: yes.
Comment: Canonical splice site variant in a gene or region of a gene for which loss of function is not a well-established mechanism of disease; Not observed at significant frequency in large population cohorts (gnomAD); Has not been previously published as pathogenic or benign to our knowledge